The following is an entry in ClinVar:

ClinVar aggregate classification (germline): Benign. Review status: criteria provided, multiple submitters, no conflicts (2 of 4 stars). 2 submissions from 2 submitters: Benign (2). Last evaluated 2018-06-19.

Allele frequency attached by ClinVar (database versions not stated): ESP Exome Variant Server 0.12042; gnomAD 0.15312 and 0.17046; TOPMed 0.19112; ExAC 0.25798; gnomAD exomes 0.27111; 1000 Genomes Project 30x 0.35463; 1000 Genomes Project 0.36106.
gnomAD v4.1: 208,509 of 1,207,982 alleles (17%); highest among the groups gnomAD compares: East Asian, 66%; 18,603 homozygotes.

Submissions (2):

GeneDx
Classification: Benign. Last evaluated: 2018-06-19. Review status: criteria provided, single submitter. Criteria: GeneDx Variant Classification (06012015). Collection method: clinical testing. Allele origin: germline. Affected: yes.
Comment: This variant is considered likely benign or benign based on one or more of the following criteria: it is a conservative change, it occurs at a poorly conserved position in the protein, it is predicted to be benign by multiple in silico algorithms, and/or has population frequency not consistent with disease.

Breakthrough Genomics
Classification: Benign. Review status: criteria provided, single submitter. Criteria: ACMG Guidelines, 2015. Collection method: not provided. Allele origin: germline. Inheritance: X-linked inheritance. Affected: yes.

NM_003491.4(NAA10):c.387-45C>T

Gene: NAA10 (N-alpha-acetyltransferase 10, NatA catalytic subunit; minus strand). Cytogenetic location: Xq28.
Variant type: single nucleotide variant.
Coding change: c.387-45C>T on transcript NM_003491.4 (MANE Select); 45 bases into the intron before coding-DNA position 387, C replaced by T.
Molecular consequence: intron variant.
Genome position (GRCh38, 1-based): chrX:153,930,892, G>A on the plus strand (C>T on the coding strand, the complement: NAA10 is on the minus strand). VCF-style: chrX-153930892-G-A. GRCh37 (hg19) VCF-style: chrX-153196345-G-A.
Other names: c.369-45C>T (NM_001256120.2); c.342-45C>T (NM_001256119.2).
Identifiers: ClinVar variation 677177 (VCV000677177.2), dbSNP rs2071131, ClinGen allele CA10556154.
Genomic context (GRCh38, chrX:153,930,892, plus strand): 5'-CTCCACTTCACTGATCCTGGGGGCAGAGGGTTAGAGAGCAAGGAGGAAGACCTGTATCCC[G>A]GGGACACCCTCCTCCACTCCTGGTATCGTGGCTACTGGAGCAAGGTGCCATGTTTTCTCC-3'